The following is an entry in ClinVar:

ClinVar aggregate classification (germline): Uncertain significance. Review status: criteria provided, multiple submitters, no conflicts (2 of 4 stars). 4 submissions from 4 submitters: Uncertain significance (4). Last evaluated 2025-12-08.

Conditions:
Hypertrophic cardiomyopathy 13. Also called: TNNC1-Related Familial Hypertrophic Cardiomyopathy. Identifiers: MedGen C2750472, MONDO:0013195, OMIM 613243.
Dilated cardiomyopathy 1Z (CMD1Z). Identifiers: Orphanet 154, MedGen C2678475, MONDO:0012745, OMIM 611879.
Cardiovascular phenotype. Identifiers: MedGen CN230736.

Allele frequency attached by ClinVar (database versions not stated): ExAC 0.00001; gnomAD 0.00001; gnomAD exomes 0.00002.

Submissions (4):

Labcorp Genetics (formerly Invitae), Labcorp
Classification: Uncertain significance for Hypertrophic cardiomyopathy 13; Dilated cardiomyopathy 1Z. Last evaluated: 2025-12-08. Review status: criteria provided, single submitter. Criteria: Invitae Variant Classification Sherloc (09022015). Collection method: clinical testing. Allele origin: germline.
Comment: This sequence change replaces glycine, which is neutral and non-polar, with glutamic acid, which is acidic and polar, at codon 140 of the TNNC1 protein (p.Gly140Glu). This variant is present in population databases (rs764835690, gnomAD 0.003%). This variant has not been reported in the literature in individuals affected with TNNC1-related conditions. ClinVar contains an entry for this variant (Variation ID: 643139). An algorithm developed to predict the effect of missense changes on protein structure and function (PolyPhen-2) suggests that this variant is likely to be disruptive. In summary, the available evidence is currently insufficient to determine the role of this variant in disease. Therefore, it has been classified as a Variant of Uncertain Significance.

Molecular Diagnostic Laboratory for Inherited Cardiovascular Disease, Montreal Heart Institute
Classification: Uncertain significance for Cardiovascular phenotype. Last evaluated: 2025-04-09. Review status: criteria provided, single submitter. Criteria: ACMG Guidelines, 2015. Collection method: clinical testing. Allele origin: germline. Affected: yes.
Comment: PM2;PP3;BP5

Ambry Genetics
Classification: Uncertain significance for Cardiovascular phenotype. Last evaluated: 2022-04-21. Review status: criteria provided, single submitter. Criteria: Ambry Variant Classification Scheme 2023. Collection method: clinical testing. Allele origin: germline.
Comment: The p.G140E variant (also known as c.419G>A), located in coding exon 5 of the TNNC1 gene, results from a G to A substitution at nucleotide position 419. The glycine at codon 140 is replaced by glutamic acid, an amino acid with similar properties. This amino acid position is conserved. In addition, the in silico prediction for this alteration is inconclusive. Since supporting evidence is limited at this time, the clinical significance of this alteration remains unclear.

Blueprint Genetics
Classification: Uncertain significance. Last evaluated: 2021-07-06. Review status: criteria provided, single submitter. Criteria: ACMG Guidelines, 2015. Collection method: clinical testing. Allele origin: germline.

NM_003280.3(TNNC1):c.419G>A (p.Gly140Glu)

Gene: TNNC1 (troponin C1, slow skeletal and cardiac type; minus strand). Cytogenetic location: 3p21.1.
Variant type: single nucleotide variant.
Coding change: c.419G>A on transcript NM_003280.3 (MANE Select); coding-DNA position 419, G replaced by A.
Protein change: p.Gly140Glu; replaces glycine 140 with glutamic acid.
Molecular consequence: missense variant.
Genome position (GRCh38, 1-based): chr3:52,451,426, C>T on the plus strand (G>A on the coding strand, the complement: TNNC1 is on the minus strand). VCF-style: chr3-52451426-C-T. GRCh37 (hg19) VCF-style: chr3-52485442-C-T.
Other names: c.419G>A (LRG_378t1); short protein forms G140E.
Identifiers: ClinVar variation 643139 (VCV000643139.9), dbSNP rs764835690, ClinGen allele CA2438498.